The following is an entry in ClinVar:

NM_000214.3(JAG1):c.554T>A (p.Val185Glu)

Gene: JAG1 (jagged canonical Notch ligand 1; minus strand). Cytogenetic location: 20p12.2.
Variant type: single nucleotide variant.
Coding change: c.554T>A on transcript NM_000214.3 (MANE Select); coding-DNA position 554, T replaced by A.
Protein change: p.Val185Glu; replaces valine 185 with glutamic acid.
Molecular consequence: missense variant.
Genome position (GRCh38, 1-based): chr20:10,658,608, A>T on the plus strand (T>A on the coding strand, the complement: JAG1 is on the minus strand). VCF-style: chr20-10658608-A-T. GRCh37 (hg19) VCF-style: chr20-10639256-A-T.
Other names: short protein forms V185E.
Identifiers: ClinVar variation 841851 (VCV000841851.11), dbSNP rs2067393827, ClinGen allele CA408240292.

ClinVar aggregate classification (germline): Uncertain significance (1 of 4 stars; one submission).

Conditions:
Alagille syndrome due to a JAG1 point mutation. Also called: HEPATIC DUCTULAR HYPOPLASIA, SYNDROMATIC; JAG1-Related Alagille Syndrome; Alagille Syndrome 1. Identifiers: Orphanet 261619, Orphanet 52, MedGen C1956125, MONDO:0016862, OMIM 118450.

Submissions (2):

Labcorp Genetics (formerly Invitae), Labcorp
Classification: Uncertain significance for Alagille syndrome due to a JAG1 point mutation. Last evaluated: 2019-04-27. Review status: criteria provided, single submitter. Criteria: Invitae Variant Classification Sherloc (09022015). Collection method: clinical testing. Allele origin: germline.
Comment: In summary, the available evidence is currently insufficient to determine the role of this variant in disease. Therefore, it has been classified as a Variant of Uncertain Significance. Algorithms developed to predict the effect of missense changes on protein structure and function (SIFT, PolyPhen-2, Align-GVGD) all suggest that this variant is likely to be disruptive, but these predictions have not been confirmed by published functional studies and their clinical significance is uncertain. This variant is not present in population databases (ExAC no frequency). This sequence change replaces valine with glutamic acid at codon 185 of the JAG1 protein (p.Val185Glu). The valine residue is highly conserved and there is a moderate physicochemical difference between valine and glutamic acid.

Gilbert/Spinner Lab, Children's Hospital of Philadelphia
No classification provided (evidence only). Condition: Alagille syndrome. Review status: no classification provided. Collection method: research. Allele origin: not applicable. Functional consequence: functionally_abnormal. Not counted in ClinVar's aggregate classification.
ClinVar note: "not provided" was previously submitted as the classification for the variant. However, the classification appeared to be based only on an observation of functional data so it was converted to no classification on 2025-07-30.